The following is an entry in ClinVar:

NM_006172.4(NPPA):c.347G>A (p.Arg116Lys)

Genes: NPPA (natriuretic peptide A; minus strand), NPPA-AS1 (NPPA antisense RNA 1; plus strand), LOC114827827 (VISTA enhancer hs2123; plus strand). Cytogenetic location: 1p36.22.
Variant type: single nucleotide variant.
Coding change: c.347G>A on transcript NM_006172.4 (MANE Select); coding-DNA position 347, G replaced by A.
Protein change: p.Arg116Lys; replaces arginine 116 with lysine.
Molecular consequence: missense variant.
Genome position (GRCh38, 1-based): chr1:11,847,216, C>T on the plus strand (G>A on the coding strand, the complement: NPPA is on the minus strand). VCF-style: chr1-11847216-C-T. GRCh37 (hg19) VCF-style: chr1-11907273-C-T.
Other names: short protein forms R116K.
Identifiers: ClinVar variation 1376005 (VCV001376005.8), dbSNP rs745922613, ClinGen allele CA597025.

ClinVar aggregate classification (germline): Uncertain significance (1 of 4 stars; one submission).

Conditions:
Atrial fibrillation, familial, 6 (ATFB6). Identifiers: MedGen C2677294, MONDO:0012816, OMIM 612201.

Allele frequency attached by ClinVar (database versions not stated): gnomAD exomes below 0.00001 and 0.00001; ExAC 0.00001; gnomAD 0.00001; TOPMed 0.00002.

Submission:

Labcorp Genetics (formerly Invitae), Labcorp
Classification: Uncertain significance for Atrial fibrillation, familial, 6. Last evaluated: 2023-01-22. Review status: criteria provided, single submitter. Criteria: Invitae Variant Classification Sherloc (09022015). Collection method: clinical testing. Allele origin: germline.
Comment: In summary, the available evidence is currently insufficient to determine the role of this variant in disease. Therefore, it has been classified as a Variant of Uncertain Significance. Algorithms developed to predict the effect of missense changes on protein structure and function (SIFT, PolyPhen-2, Align-GVGD) all suggest that this variant is likely to be disruptive. ClinVar contains an entry for this variant (Variation ID: 1376005). This missense change has been observed in individual(s) with clinical features of NPPA-related conditions (PMID: 30847666). This variant is present in population databases (rs745922613, gnomAD no frequency). This sequence change replaces arginine, which is basic and polar, with lysine, which is basic and polar, at codon 116 of the NPPA protein (p.Arg116Lys).

Literature cited by the submitters: PubMed 30847666.